The following is an entry in ClinVar:

ClinVar aggregate classification (germline): Conflicting classifications of pathogenicity. Review status: criteria provided, conflicting classifications (1 of 4 stars). 4 submissions from 3 submitters: Likely pathogenic (2); Uncertain significance (2). Last evaluated 2022-10-17.

Conditions:
Inborn genetic diseases. Identifiers: MedGen C0950123, MeSH D030342.
PHGDH deficiency. Identifiers: Orphanet 79351, MedGen C1866174, MONDO:0011152, OMIM 601815.
Epileptic encephalopathy. Identifiers: MedGen C0543888, HP:0200134.
Seizure. Also called: Seizures. Identifiers: MedGen C0036572, HP:0001250.

Allele frequency attached by ClinVar (database versions not stated): ExAC 0.00001; gnomAD 0.00001 and 0.00002; TOPMed 0.00001; gnomAD exomes 0.00002.
gnomAD v4.1: 40 of 1,613,970 alleles (0.0025%); highest among the groups gnomAD compares: Middle Eastern, 0.017%; no homozygotes.

Submissions (4):

Labcorp Genetics (formerly Invitae), Labcorp
Classification: Uncertain significance for PHGDH deficiency. Last evaluated: 2022-10-17. Review status: criteria provided, single submitter. Criteria: Invitae Variant Classification Sherloc (09022015). Collection method: clinical testing. Allele origin: germline.
Comment: This sequence change replaces threonine, which is neutral and polar, with methionine, which is neutral and non-polar, at codon 125 of the PHGDH protein (p.Thr125Met). This variant is present in population databases (rs764618040, gnomAD 0.003%). This missense change has been observed in individual(s) with clinical features of PHGDH-related conditions (PMID: 29286531). ClinVar contains an entry for this variant (Variation ID: 373899). Advanced modeling of protein sequence and biophysical properties (such as structural, functional, and spatial information, amino acid conservation, physicochemical variation, residue mobility, and thermodynamic stability) performed at Invitae indicates that this missense variant is not expected to disrupt PHGDH protein function. In summary, the available evidence is currently insufficient to determine the role of this variant in disease. Therefore, it has been classified as a Variant of Uncertain Significance.

Ambry Genetics
Classification: Uncertain significance for Inborn genetic diseases. Last evaluated: 2022-10-13. Review status: criteria provided, single submitter. Criteria: Ambry Variant Classification Scheme 2023. Collection method: clinical testing. Allele origin: germline.

Centre for Mendelian Genomics, University Medical Centre Ljubljana
Classification: Likely pathogenic for PHGDH deficiency. Last evaluated: 2016-01-01. Review status: criteria provided, single submitter. Criteria: ACMG Guidelines, 2015. Collection method: clinical testing. Allele origin: unknown. Affected: yes.
Comment: This variant was classified as: Likely pathogenic.

Centre for Mendelian Genomics, University Medical Centre Ljubljana
Classification: Likely pathogenic for Epileptic encephalopathy; Seizure. Last evaluated: 2014-06-11. Review status: criteria provided, single submitter. Criteria: ACMG Guidelines, 2015. Collection method: clinical testing. Allele origin: unknown. Affected: yes.

Literature cited by the submitters: PubMed 29286531 (cited by Labcorp Genetics (formerly Invitae), Labcorp and Ambry Genetics).

NM_006623.4(PHGDH):c.374C>T (p.Thr125Met)

Gene: PHGDH (phosphoglycerate dehydrogenase; plus strand). Cytogenetic location: 1p12.
Variant type: single nucleotide variant.
Coding change: c.374C>T on transcript NM_006623.4 (MANE Select); coding-DNA position 374, C replaced by T.
Protein change: p.Thr125Met; replaces threonine 125 with methionine.
Molecular consequence: missense variant.
Genome position (GRCh38, 1-based): chr1:119,726,868, C>T. VCF-style: chr1-119726868-C-T. GRCh37 (hg19) VCF-style: chr1-120269491-C-T.
Other names: short protein forms T125M.
Identifiers: ClinVar variation 373899 (VCV000373899.10), dbSNP rs764618040, ClinGen allele CA1037066.